The following is an entry in ClinVar:

ClinVar aggregate classification (germline): Pathogenic/Likely pathogenic. Review status: criteria provided, multiple submitters, no conflicts (2 of 4 stars). 9 submissions from 9 submitters: Pathogenic (6); Likely pathogenic (2). 1 of the submissions does not count toward it. Last evaluated 2026-05-22.

Conditions:
Perrault syndrome 1 (PRLTS1). Also called: GONADAL DYSGENESIS, XX TYPE, WITH DEAFNESS; OVARIAN DYSGENESIS WITH SENSORINEURAL DEAFNESS. Identifiers: Orphanet 2855, Orphanet 642945, MedGen C4551721, MONDO:0009300, OMIM 233400.
Bifunctional peroxisomal enzyme deficiency (DBIF). Also called: D-bifunctional protein deficiency; DBP DEFICIENCY; PBFE DEFICIENCY. Identifiers: Orphanet 300, MedGen C0342870, MONDO:0009855, OMIM 261515. Disease mechanism: loss of function.
HSD17B4-related disorder. Also called: HSD17B4-related condition; HSD17B4-related disorders.
Perrault syndrome. Also called: Gonadal dysgenesis with auditory dysfunction, autosomal recessive inheritance. Identifiers: Orphanet 2855, MedGen C0685838, MONDO:0017312.

Submissions (9):

PreventionGenetics, part of Exact Sciences
Classification: Pathogenic for HSD17B4-related condition. Last evaluated: 2026-05-22. Review status: criteria provided, single submitter. Criteria: ACMG Guidelines, 2015. Collection method: clinical testing. Allele origin: germline.
Comment: The HSD17B4 c.936_937delTA variant is predicted to result in premature protein termination (p.Thr313*). This variant has been reported by whole exome sequencing in a critically ill infant, although no phenotypic details were provided (Meng et al. 2017. PubMed ID: 28973083) as well as in a patient with D-bifunctional protein deficiency (Farkas et al. 2018. PubMed ID: 30396834). This variant is reported in 0.036% of alleles in individuals of African descent in gnomAD. Nonsense variants in HSD17B4 are expected to be pathogenic. This variant is interpreted as pathogenic.

Natera, Inc.
Classification: Pathogenic for Bifunctional peroxisomal enzyme deficiency. Last evaluated: 2026-01-23. Review status: criteria provided, single submitter. Criteria: Natera Variant Classification Schema (03/2026). Collection method: clinical testing. Allele origin: germline.
Comment: The c.936_937delTA variant in HSD17B4 is a frameshift variant predicted to shift the reading frame and introduce a stop codon. This variant is expected to result in nonsense mediated decay, truncation, or a dysfunctional protein product. This variant is rare in the general population with a frequency below the threshold expected for the associated phenotype(s). This variant has been observed in one or more individuals affected with the associated recessive disease, as either homozygous or compound heterozygous with a second variant (PMID: 28973083). Given the available evidence, this variant is classified as Pathogenic.

GeneDx
Classification: Likely pathogenic. Last evaluated: 2025-10-25. Review status: criteria provided, single submitter. Criteria: GeneDx Variant Classification Process June 2021. Collection method: clinical testing. Allele origin: germline. Affected: yes.
Comment: Nonsense variant predicted to result in protein truncation or nonsense mediated decay in a gene for which loss of function is a known mechanism of disease; This variant is associated with the following publications: (PMID: 30396834, 28973083, 36939041)

Labcorp Genetics (formerly Invitae), Labcorp
Classification: Pathogenic for Perrault syndrome; Bifunctional peroxisomal enzyme deficiency. Last evaluated: 2025-02-25. Review status: criteria provided, single submitter. Criteria: Invitae Variant Classification Sherloc (09022015). Collection method: clinical testing. Allele origin: germline.
Comment: This sequence change creates a premature translational stop signal (p.Thr313*) in the HSD17B4 gene. It is expected to result in an absent or disrupted protein product. Loss-of-function variants in HSD17B4 are known to be pathogenic (PMID: 11810648, 16385454, 20673864). This variant is present in population databases (rs758055753, gnomAD 0.04%). This premature translational stop signal has been observed in individual(s) with clinical features of D-bifunctional protein deficiency (PMID: 28973083, 30396834). ClinVar contains an entry for this variant (Variation ID: 504023). For these reasons, this variant has been classified as Pathogenic.

Women's Health and Genetics/Laboratory Corporation of America, LabCorp
Classification: Pathogenic for Bifunctional peroxisomal enzyme deficiency. Last evaluated: 2024-11-14. Review status: criteria provided, single submitter. Criteria: LabCorp Variant Classification Summary - May 2015. Collection method: clinical testing. Allele origin: germline.
Comment: Variant summary: HSD17B4 c.936_937delTA (p.Thr313X) results in a premature termination codon, predicted to cause a truncation of the encoded protein or absence of the protein due to nonsense mediated decay, which are commonly known mechanisms for disease. The variant allele was found at a frequency of 2.4e-05 in 251342 control chromosomes (gnomAD). c.936_937delTA has been reported in the literature in at least an individual affected with clinical features of D-bifunctional protein deficiency (example: Farkas_2019). The following publication has been ascertained in the context of this evaluation (PMID: 30396834). ClinVar contains an entry for this variant (Variation ID: 504023). Based on the evidence outlined above, the variant was classified as pathogenic.

Fulgent Genetics
Classification: Likely pathogenic for Perrault syndrome 1; Bifunctional peroxisomal enzyme deficiency. Last evaluated: 2024-03-15. Review status: criteria provided, single submitter. Criteria: ACMG Guidelines, 2015. Collection method: clinical testing. Allele origin: germline.

Baylor Genetics
Classification: Pathogenic for Bifunctional peroxisomal enzyme deficiency. Last evaluated: 2024-02-25. Review status: criteria provided, single submitter. Criteria: ACMG Guidelines, 2015. Collection method: clinical testing. Allele origin: unknown.

Elsea Laboratory, Baylor College of Medicine
Classification: Pathogenic for Bifunctional peroxisomal enzyme deficiency; Perrault syndrome 1. Last evaluated: 2020-04-01. Review status: criteria provided, single submitter. Criteria: ACMG Guidelines, 2015. Collection method: clinical testing. Allele origin: maternal. Affected: yes.

Counsyl
Classification: Likely pathogenic for Bifunctional peroxisomal enzyme deficiency. Last evaluated: 2014-11-04. Review status: no assertion criteria provided. Collection method: clinical testing. Allele origin: unknown. Not counted in ClinVar's aggregate classification.

Literature cited by the submitters: PubMed 28973083 (cited by Natera, Inc. and Labcorp Genetics (formerly Invitae), Labcorp); PubMed 11810648 (cited by Labcorp Genetics (formerly Invitae), Labcorp); PubMed 16385454 (cited by Labcorp Genetics (formerly Invitae), Labcorp); PubMed 20673864 (cited by Labcorp Genetics (formerly Invitae), Labcorp); PubMed 30396834 (cited by Labcorp Genetics (formerly Invitae), Labcorp and Women's Health and Genetics/Laboratory Corporation of America, LabCorp).

NM_000414.4(HSD17B4):c.936_937del (p.His312_Thr313insTer)

Gene: HSD17B4 (hydroxysteroid 17-beta dehydrogenase 4; plus strand). Cytogenetic location: 5q23.1.
Variant type: Deletion.
Coding change: c.936_937del on transcript NM_000414.4 (MANE Select); coding-DNA positions 936 to 937, 2 bases deleted (TA; older notation c.936_937delTA).
Protein change: p.His312_Thr313insTer.
Molecular consequence: frameshift variant.
Genome position (GRCh38, 1-based): chr5:119,496,610-119,496,611, TA deleted; deleting any 2 consecutive bases within chr5:119,496,609-119,496,611 gives the same sequence; the c. name uses the placement nearest the transcript's 3' end. VCF-style (leftmost placement, unchanged base first): chr5-119496608-CAT-C. GRCh37 (hg19) VCF-style: chr5-118832303-CAT-C.
Other names: c.936_937delTA (NM_000414.4, NM_000414.3); c.1011_1012del, p.His337_Thr338insTer (NM_001199291.3); c.882_883del, p.His294_Thr295insTer (NM_001199292.2); c.864_865del, p.His288_Thr289insTer (NM_001292027.2); c.516_517del, p.His172_Thr173insTer (NM_001292028.2).
Identifiers: ClinVar variation 504023 (VCV000504023.26), dbSNP rs758055753, ClinGen allele CA3382041.